The following is an entry in ClinVar:

ClinVar aggregate classification (germline): Uncertain significance (1 of 4 stars; one submission).

Conditions:
Hereditary cancer-predisposing syndrome. Also called: Neoplastic Syndromes, Hereditary; Tumor predisposition; Hereditary neoplastic syndrome; Hereditary Cancer Syndrome. Identifiers: Orphanet 140162, MedGen C0027672, MeSH D009386, MONDO:0015356.

Submission:

Ambry Genetics
Classification: Uncertain significance for Hereditary cancer-predisposing syndrome. Last evaluated: 2022-12-24. Review status: criteria provided, single submitter. Criteria: Ambry Variant Classification Scheme 2023. Collection method: clinical testing. Allele origin: germline.
Comment: The p.R304S variant (also known as c.912A>T), located in coding exon 1 of the MET gene, results from an A to T substitution at nucleotide position 912. The arginine at codon 304 is replaced by serine, an amino acid with dissimilar properties. This amino acid position is conserved. In addition, this alteration is predicted to be tolerated by in silico analysis. Since supporting evidence is limited at this time, the clinical significance of this alteration remains unclear.

NM_000245.4(MET):c.912A>T (p.Arg304Ser)

Gene: MET (MET proto-oncogene, receptor tyrosine kinase; plus strand). Cytogenetic location: 7q31.2.
Variant type: single nucleotide variant.
Coding change: c.912A>T on transcript NM_000245.4 (MANE Select); coding-DNA position 912, A replaced by T.
Protein change: p.Arg304Ser; replaces arginine 304 with serine.
Molecular consequence: missense variant. On other transcripts: intron variant (1).
Genome position (GRCh38, 1-based): chr7:116,699,996, A>T. VCF-style: chr7-116699996-A-T. GRCh37 (hg19) VCF-style: chr7-116340050-A-T.
Other names: c.912A>T, p.Arg304Ser (NM_001127500.3, NM_001324401.3); c.-91+27419A>T (NM_001324402.2); short protein forms R304S.
Identifiers: ClinVar variation 2453391 (VCV002453391.2), dbSNP rs762885066, ClinGen allele CA368970131.
Genomic context (GRCh38, chr7:116,699,996, plus strand): 5'-AAACTCTGGATTGCATTCCTACATGGAAATGCCTCTGGAGTGTATTCTCACAGAAAAGAG[A>T]AAAAAGAGATCCACAAAGAAGGAAGTGTTTAATATACTTCAGGCTGCGTATGTCAGCAAG-3'
Protein context (NP_000236.2, residues 294-314): MPLECILTEK[Arg304Ser]KKRSTKKEVF